The following is an entry in ClinVar:

ClinVar aggregate classification (germline): Uncertain significance (1 of 4 stars; one submission).

Conditions:
Hypercholesterolemia, autosomal dominant, 3 (FHCL3). Also called: Familial Hypercholesterolemia, Autosomal Dominant, 3; PCSK9-Related Familial Hypercholesterolemia, Autosomal Dominant; Familial hypercholesterolemia 3. Identifiers: MedGen C1863551, MONDO:0011369, OMIM 603776.

gnomAD v4.1: 1 of 1,613,698 alleles (0.000062%); no homozygotes.

Submission:

All of Us Research Program, National Institutes of Health
Classification: Uncertain significance for Hypercholesterolemia, autosomal dominant, 3. Last evaluated: 2023-05-04. Review status: criteria provided, single submitter. Criteria: ACMG Guidelines, 2015. Collection method: clinical testing. Allele origin: germline. Inheritance: Autosomal dominant inheritance. Observed: 1 variant allele, 1 heterozygote.
Comment: This missense variant replaces aspartic acid with histidine at codon 422 of the PCSK9 protein. Computational prediction suggests that this variant may not impact protein structure and function (internally defined REVEL score threshold <= 0.5, PMID: 27666373). To our knowledge, functional studies have not been reported for this variant. This variant has not been reported in individuals affected with PCSK9-related disorders in the literature. This variant has not been identified in the general population by the Genome Aggregation Database (gnomAD). The available evidence is insufficient to determine the role of this variant in disease conclusively. Therefore, this variant is classified as a Variant of Uncertain Significance.

This study involves interpretation of variants in research participants for the purpose of population health screening. Participant phenotype was not available at the time of variant classification. Additional details can be found in publication PMID: 35346344, PMCID: PMC8962531

NM_174936.4(PCSK9):c.1264G>C (p.Asp422His)

Gene: PCSK9 (proprotein convertase subtilisin/kexin type 9; plus strand). Cytogenetic location: 1p32.3.
Variant type: single nucleotide variant.
Coding change: c.1264G>C on transcript NM_174936.4 (MANE Select); coding-DNA position 1264, G replaced by C.
Protein change: p.Asp422His; replaces aspartic acid 422 with histidine.
Molecular consequence: missense variant. On other transcripts: non-coding transcript variant (8), intron variant (2).
Genome position (GRCh38, 1-based): chr1:55,058,119, G>C. VCF-style: chr1-55058119-G-C. GRCh37 (hg19) VCF-style: chr1-55523792-G-C.
Other names: c.1387G>C, p.Asp463His (NM_001407240.1); c.1264G>C, p.Asp422His (NM_001407241.1); c.1267G>C, p.Asp423His (NM_001407242.1); c.1207G>C, p.Asp403His (NM_001407243.1); c.1072G>C, p.Asp358His (NM_001407245.1); c.889G>C, p.Asp297His (NM_001407246.1); c.1181-380G>C (NM_001407244.1); c.1180+605G>C (NM_001407247.1); short protein forms D297H, D358H, D403H, D422H, D423H, D463H.
Identifiers: ClinVar variation 3070777 (VCV003070777.1), dbSNP rs2523259576, ClinGen allele CA340477251.